The following is an entry in ClinVar:

NM_000350.3(ABCA4):c.70C>T (p.Arg24Cys)

Gene: ABCA4 (ATP binding cassette subfamily A member 4; minus strand). Cytogenetic location: 1p22.1.
Variant type: single nucleotide variant.
Coding change: c.70C>T on transcript NM_000350.3 (MANE Select); coding-DNA position 70, C replaced by T.
Protein change: p.Arg24Cys; replaces arginine 24 with cysteine.
Molecular consequence: missense variant.
Genome position (GRCh38, 1-based): chr1:94,113,063, G>A on the plus strand (C>T on the coding strand, the complement: ABCA4 is on the minus strand). VCF-style: chr1-94113063-G-A. GRCh37 (hg19) VCF-style: chr1-94578619-G-A.
Other names: c.70C>T, p.Arg24Cys (NM_001425324.1); short protein forms R24C.
Identifiers: ClinVar variation 99497 (VCV000099497.15), dbSNP rs62645942, ClinGen allele CA227447.
Genomic context (GRCh38, chr1:94,113,063, plus strand): 5'-TCCTTAACCAGATCAAGACCAGAAATAAAGATAAAGGCCACACGAGTTCCACCACAAAGC[G>A]AATCTGGAAAAACAAAACAAAAAGAGAGAAAGTTCAGTGGTGCTAAGAGATTATAGAAAA-3'
Protein context (NP_000341.2, residues 14-34): NWTLRKRQKI[Arg24Cys]FVVELVWPLS

ClinVar aggregate classification (germline): Pathogenic/Likely pathogenic. Review status: criteria provided, multiple submitters, no conflicts (2 of 4 stars). 5 submissions from 5 submitters: Pathogenic (3); Likely pathogenic (1). 1 of the submissions does not count toward it. Last evaluated 2025-12-16.

Conditions:
ABCA4-related disorder. Also called: ABCA4-related condition; ABCA4-related disorders. Identifiers: MedGen CN239167.
Cone-rod dystrophy 3 (CORD3). Identifiers: Orphanet 1872, MedGen C1858806, MONDO:0011395, OMIM 604116.
Age related macular degeneration 2. Also called: MACULAR DEGENERATION, SENILE; MACULOPATHY, AGE-RELATED, 2; MACULOPATHY, AGE-RELATED. Identifiers: MedGen C3495438, MONDO:0007932, OMIM 153800.
Retinitis pigmentosa 19 (RP19). Also called: ABCA4-Related Retinitis Pigmentosa. Identifiers: Orphanet 791, MedGen C1866422, MONDO:0011137, OMIM 601718.
Severe early-childhood-onset retinal dystrophy (STGD1). Also called: MACULAR DYSTROPHY WITH FLECKS, TYPE 1; STGD; Stargardt disease 1; Stargardt macular dystrophy; Juvenile onset macular degeneration. Identifiers: Orphanet 364055, Orphanet 827, MedGen C1855465, MeSH D000080362, MONDO:0009549, OMIM 248200.

Allele frequency attached by ClinVar (database versions not stated): 1000 Genomes Project 0.00020; gnomAD 0.00003 and 0.00002; gnomAD exomes 0.00003; TOPMed 0.00003; ExAC 0.00004; ESP Exome Variant Server 0.00008; 1000 Genomes Project 30x 0.00016.
gnomAD v4.1: 24 of 1,613,954 alleles (0.0015%); highest among the groups gnomAD compares: South Asian, 0.0066%; no homozygotes.

Submissions (5):

Labcorp Genetics (formerly Invitae), Labcorp
Classification: Pathogenic. Last evaluated: 2025-12-16. Review status: criteria provided, single submitter. Criteria: Invitae Variant Classification Sherloc (09022015). Collection method: clinical testing. Allele origin: germline.
Comment: This sequence change replaces arginine, which is basic and polar, with cysteine, which is neutral and slightly polar, at codon 24 of the ABCA4 protein (p.Arg24Cys). This variant is present in population databases (rs62645942, gnomAD 0.01%). This missense change has been observed in individuals with cone-rod dystrophy or Stargardt disease (PMID: 15494742, 28559085, 29162642, 30093795). ClinVar contains an entry for this variant (Variation ID: 99497). Invitae Evidence Modeling of protein sequence and biophysical properties (such as structural, functional, and spatial information, amino acid conservation, physicochemical variation, residue mobility, and thermodynamic stability) indicates that this missense variant is expected to disrupt ABCA4 protein function with a positive predictive value of 95%. For these reasons, this variant has been classified as Pathogenic.

PreventionGenetics, part of Exact Sciences
Classification: Pathogenic for ABCA4-related condition. Last evaluated: 2024-11-26. Review status: criteria provided, single submitter. Criteria: ACMG Guidelines, 2015. Collection method: clinical testing. Allele origin: germline.
Comment: The ABCA4 c.70C>T variant is predicted to result in the amino acid substitution p.Arg24Cys. This variant has been reported along with a second ABCA4 variant in individuals with ABCA4-related retinal disease (see for examples: Klevering et al. 2004. PubMed ID: 15494742; Table S2, Zaneveld et al. 2014. PubMed ID: 25474345; Table S1, Stone et al. 2017. PubMed ID: 28559085; Salles et al. 2018. PubMed ID: 30093795). This variant is present in 0.012% of alleles in individuals of African descent in gnomAD. This variant is interpreted as pathogenic.

Fulgent Genetics
Classification: Likely pathogenic for Age related macular degeneration 2; Severe early-childhood-onset retinal dystrophy; Retinitis pigmentosa 19; Cone-rod dystrophy 3. Last evaluated: 2024-04-25. Review status: criteria provided, single submitter. Criteria: ACMG Guidelines, 2015. Collection method: clinical testing. Allele origin: germline.

Blueprint Genetics
Classification: Pathogenic for ABCA4-related disorders. Last evaluated: 2022-08-16. Review status: criteria provided, single submitter. Criteria: ACMG Guidelines, 2015. Collection method: clinical testing. Allele origin: germline. Affected: yes. Observed: 4 variant alleles.

Retina International
No classification provided. Review status: no classification provided. Collection method: not provided. Allele origin: not provided. Not counted in ClinVar's aggregate classification.

Literature cited by the submitters: PubMed 15494742 (cited by Labcorp Genetics (formerly Invitae), Labcorp); PubMed 28559085 (cited by Labcorp Genetics (formerly Invitae), Labcorp); PubMed 29162642 (cited by Labcorp Genetics (formerly Invitae), Labcorp); PubMed 30093795 (cited by Labcorp Genetics (formerly Invitae), Labcorp).